The following is an entry in ClinVar:

ClinVar aggregate classification (germline): Uncertain significance (1 of 4 stars; one submission).

Conditions:
Intellectual developmental disorder, autosomal dominant 54. Also called: MENTAL RETARDATION, AUTOSOMAL DOMINANT 54; Intellectual disability, autosomal dominant 54. Identifiers: MedGen C4540484, MONDO:0030920, OMIM 617799.

Submission:

Institute of Human Genetics, University of Leipzig Medical Center
Classification: Uncertain significance for Intellectual developmental disorder, autosomal dominant 54. Last evaluated: 2024-08-15. Review status: criteria provided, single submitter. Criteria: ACMG Guidelines, 2015. Collection method: clinical testing. Allele origin: paternal. Inheritance: Autosomal dominant inheritance. Affected: yes.
Comment: Criteria applied: PVS1_MOD,PM2

NM_001220.5(CAMK2B):c.342-2A>G

Gene: CAMK2B (calcium/calmodulin dependent protein kinase II beta; minus strand). Cytogenetic location: 7p13.
Variant type: single nucleotide variant.
Coding change: c.342-2A>G on transcript NM_001220.5 (MANE Select); the canonical splice acceptor site of the intron before coding-DNA position 342, A replaced by G.
Molecular consequence: splice acceptor variant.
Genome position (GRCh38, 1-based): chr7:44,247,194, T>C on the plus strand (A>G on the coding strand, the complement: CAMK2B is on the minus strand). VCF-style: chr7-44247194-T-C. GRCh37 (hg19) VCF-style: chr7-44286793-T-C.
Other names: c.342-2A>G (NM_172084.3, NM_172080.3, NM_172083.3 and 5 more transcripts).
Identifiers: ClinVar variation 1804132 (VCV001804132.3), dbSNP rs2486251900, ClinGen allele CA367369259.